The following is an entry in ClinVar:

ClinVar aggregate classification (germline): Likely pathogenic. Review status: criteria provided, single submitter (1 of 4 stars). 2 submissions from 2 submitters: Likely pathogenic (1). 1 of the submissions does not count toward it. Last evaluated 2023-11-14.

Conditions:
Bartter disease type 1. Also called: Bartter syndrome, type 1, antenatal; Bartter Syndrome type 1; HYPERPROSTAGLANDIN E SYNDROME 1; HYPOKALEMIC ALKALOSIS WITH HYPERCALCIURIA 1, ANTENATAL. Identifiers: Orphanet 112, Orphanet 620217, MedGen C1866495, MONDO:0100344, OMIM 601678, MONDO:0011127.

gnomAD v4.1: 1 of 1,613,658 alleles (0.000062%); highest among the groups gnomAD compares: Non-Finnish European, 0.000085%; no homozygotes.

Submissions (2):

Labcorp Genetics (formerly Invitae), Labcorp
Classification: Likely pathogenic. Last evaluated: 2023-11-14. Review status: criteria provided, single submitter. Criteria: Invitae Variant Classification Sherloc (09022015). Collection method: clinical testing. Allele origin: germline.
Comment: This sequence change replaces alanine, which is neutral and non-polar, with aspartic acid, which is acidic and polar, at codon 628 of the SLC12A1 protein (p.Ala628Asp). This variant is not present in population databases (gnomAD no frequency). This missense change has been observed in individual(s) with clinical features of SLC12A1-related conditions (PMID: 19096086, 26963954). In at least one individual the data is consistent with being in trans (on the opposite chromosome) from a pathogenic variant. It has also been observed to segregate with disease in related individuals. ClinVar contains an entry for this variant (Variation ID: 378048). Advanced modeling of protein sequence and biophysical properties (such as structural, functional, and spatial information, amino acid conservation, physicochemical variation, residue mobility, and thermodynamic stability) performed at Invitae indicates that this missense variant is expected to disrupt SLC12A1 protein function with a positive predictive value of 80%. Experimental studies have shown that this missense change affects SLC12A1 function (PMID: 33973684). In summary, the currently available evidence indicates that the variant is pathogenic, but additional data are needed to prove that conclusively. Therefore, this variant has been classified as Likely Pathogenic.

OMIM
Classification: Pathogenic for BARTTER SYNDROME, TYPE 1, ANTENATAL. Last evaluated: 2017-03-02. Review status: no assertion criteria provided. Collection method: literature only. Allele origin: germline. Not counted in ClinVar's aggregate classification.

Literature cited by the submitters: PubMed 19096086 (cited by Labcorp Genetics (formerly Invitae), Labcorp); PubMed 26963954 (cited by Labcorp Genetics (formerly Invitae), Labcorp and OMIM); PubMed 33973684 (cited by Labcorp Genetics (formerly Invitae), Labcorp).

NM_000338.3(SLC12A1):c.1883C>A (p.Ala628Asp)

Genes: SLC12A1 (solute carrier family 12 member 1; plus strand), LOC126862123 (CDK7 strongly-dependent group 2 enhancer GRCh37_chr15:48543423-48544622; plus strand). Cytogenetic location: 15q21.1.
Variant type: single nucleotide variant.
Coding change: c.1883C>A on transcript NM_000338.3 (MANE Select); coding-DNA position 1883, C replaced by A.
Protein change: p.Ala628Asp; replaces alanine 628 with aspartic acid.
Molecular consequence: missense variant.
Genome position (GRCh38, 1-based): chr15:48,251,711, C>A. VCF-style: chr15-48251711-C-A. GRCh37 (hg19) VCF-style: chr15-48543908-C-A.
Other names: c.1883C>A, p.Ala628Asp (NM_001184832.2); short protein forms A628D.
Identifiers: ClinVar variation 378048 (VCV000378048.4), dbSNP rs1057520301, ClinGen allele CA16609224.